The following is an entry in ClinVar:

ClinVar aggregate classification (germline): Uncertain significance (1 of 4 stars; one submission).

Submission:

Ambry Genetics
Classification: Uncertain significance. Last evaluated: 2025-12-29. Review status: criteria provided, single submitter. Criteria: Ambry Variant Classification Scheme 2023. Collection method: clinical testing. Allele origin: germline.
Comment: The p.M693R variant (also known as c.2078T>G), located in coding exon 1 of the MLH3 gene, results from a T to G substitution at nucleotide position 2078. The methionine at codon 693 is replaced by arginine, an amino acid with similar properties. This amino acid position is conserved. In addition, this alteration is predicted to be tolerated by in silico analysis. Based on the available evidence, the clinical significance of this variant remains unclear.

NM_001040108.2(MLH3):c.2078T>G (p.Met693Arg)

Gene: MLH3 (mutL homolog 3; minus strand). Cytogenetic location: 14q24.3.
Variant type: single nucleotide variant.
Coding change: c.2078T>G on transcript NM_001040108.2 (MANE Select); coding-DNA position 2078, T replaced by G.
Protein change: p.Met693Arg; replaces methionine 693 with arginine.
Molecular consequence: missense variant.
Genome position (GRCh38, 1-based): chr14:75,047,578, A>C on the plus strand (T>G on the coding strand, the complement: MLH3 is on the minus strand). VCF-style: chr14-75047578-A-C. GRCh37 (hg19) VCF-style: chr14-75514281-A-C.
Other names: c.2078T>G, p.Met693Arg (NM_014381.3); short protein forms M693R.
Identifiers: ClinVar variation 4841837 (VCV004841837.1).
Genomic context (GRCh38, chr14:75,047,578, plus strand): 5'-GTATCAGATAATATGCAATCTGTTTGTGATTTTTTGCTACCTTCCTGAAAAGCAGAAAAC[A>C]TTGTATAAGTTGCTGTAGGTTCATTCTCTAGCCCATAACTTATATTCGTTCTGCAATTTT-3'
Protein context (NP_001035197.1, residues 683-703): LENEPTATYT[Met693Arg]FSAFQEGSKK